The following is an entry in ClinVar:

ClinVar aggregate classification (germline): Uncertain significance (1 of 4 stars; one submission).

Conditions:
Glycogen storage disease IXb (GSD9B). Also called: GLYCOGENOSIS OF LIVER AND MUSCLE, AUTOSOMAL RECESSIVE; GSD IXb; PHOSPHORYLASE KINASE DEFICIENCY OF LIVER AND MUSCLE, AUTOSOMAL RECESSIVE. Identifiers: Orphanet 79240, MedGen C0543514, MONDO:0009868, OMIM 261750.

Submission:

Labcorp Genetics (formerly Invitae), Labcorp
Classification: Uncertain significance for Glycogen storage disease IXb. Last evaluated: 2023-11-27. Review status: criteria provided, single submitter. Criteria: Invitae Variant Classification Sherloc (09022015). Collection method: clinical testing. Allele origin: germline.
Comment: This sequence change replaces aspartic acid, which is acidic and polar, with glycine, which is neutral and non-polar, at codon 764 of the PHKB protein (p.Asp764Gly). This variant is not present in population databases (gnomAD no frequency). This variant has not been reported in the literature in individuals affected with PHKB-related conditions. ClinVar contains an entry for this variant (Variation ID: 1498641). An algorithm developed to predict the effect of missense changes on protein structure and function (PolyPhen-2) suggests that this variant is likely to be disruptive. In summary, the available evidence is currently insufficient to determine the role of this variant in disease. Therefore, it has been classified as a Variant of Uncertain Significance.

NM_000293.3(PHKB):c.2291A>G (p.Asp764Gly)

Gene: PHKB (phosphorylase kinase regulatory subunit beta; plus strand). Cytogenetic location: 16q12.1.
Variant type: single nucleotide variant.
Coding change: c.2291A>G on transcript NM_000293.3 (MANE Select); coding-DNA position 2291, A replaced by G.
Protein change: p.Asp764Gly; replaces aspartic acid 764 with glycine.
Molecular consequence: missense variant.
Genome position (GRCh38, 1-based): chr16:47,663,689, A>G. VCF-style: chr16-47663689-A-G. GRCh37 (hg19) VCF-style: chr16-47697600-A-G.
Other names: c.2270A>G, p.Asp757Gly (NM_001031835.3); c.2291A>G, p.Asp764Gly (NM_001363837.1); short protein forms D757G, D764G.
Identifiers: ClinVar variation 1498641 (VCV001498641.6), dbSNP rs1973484337, ClinGen allele CA395789405.